The following is an entry in ClinVar:

ClinVar aggregate classification (germline): Uncertain significance. Review status: criteria provided, multiple submitters, no conflicts (2 of 4 stars). 3 submissions from 3 submitters: Uncertain significance (3). Last evaluated 2025-05-19.

Conditions:
Cardiovascular phenotype. Identifiers: MedGen CN230736.
Cutis laxa, autosomal recessive, type 1B (ARCL1B). Also called: EFEMP2-Related Cutis Laxa; CUTIS LAXA, AUTOSOMAL RECESSIVE, TYPE IB. Identifiers: Orphanet 90349, MedGen C3280798, MONDO:0013754, OMIM 614437. Disease mechanism: loss of function.

Allele frequency attached by ClinVar (database versions not stated): ExAC 0.00001; gnomAD 0.00001; gnomAD exomes 0.00001.
gnomAD v4.1: 15 of 1,613,994 alleles (0.00093%); highest among the groups gnomAD compares: East Asian, 0.0022%; no homozygotes.

Submissions (3):

GeneDx
Classification: Uncertain significance. Last evaluated: 2025-05-19. Review status: criteria provided, single submitter. Criteria: GeneDx Variant Classification Process June 2021. Collection method: clinical testing. Allele origin: germline. Affected: yes.
Comment: Not observed at significant frequency in large population cohorts (gnomAD); In silico analysis supports that this missense variant has a deleterious effect on protein structure/function; Has not been previously published as pathogenic or benign to our knowledge

Ambry Genetics
Classification: Uncertain significance for Cardiovascular phenotype. Last evaluated: 2023-06-17. Review status: criteria provided, single submitter. Criteria: Ambry Variant Classification Scheme 2023. Collection method: clinical testing. Allele origin: germline.
Comment: The p.R409W variant (also known as c.1225C>T), located in coding exon 10 of the EFEMP2 gene, results from a C to T substitution at nucleotide position 1225. The arginine at codon 409 is replaced by tryptophan, an amino acid with dissimilar properties. This amino acid position is conserved. In addition, this alteration is predicted to be deleterious by in silico analysis. Since supporting evidence is limited at this time, the clinical significance of this alteration remains unclear.

Labcorp Genetics (formerly Invitae), Labcorp
Classification: Uncertain significance for Cutis laxa, autosomal recessive, type 1B. Last evaluated: 2021-09-20. Review status: criteria provided, single submitter. Criteria: Invitae Variant Classification Sherloc (09022015). Collection method: clinical testing. Allele origin: germline.
Comment: In summary, the available evidence is currently insufficient to determine the role of this variant in disease. Therefore, it has been classified as a Variant of Uncertain Significance. Algorithms developed to predict the effect of missense changes on protein structure and function (SIFT, PolyPhen-2, Align-GVGD) all suggest that this variant is likely to be disruptive. This variant has not been reported in the literature in individuals affected with EFEMP2-related conditions. This variant is present in population databases (rs774325189, ExAC 0.006%). This sequence change replaces arginine with tryptophan at codon 409 of the EFEMP2 protein (p.Arg409Trp). The arginine residue is highly conserved and there is a moderate physicochemical difference between arginine and tryptophan.

NM_016938.5(EFEMP2):c.1225C>T (p.Arg409Trp)

Genes: MUS81 (MUS81 structure-specific endonuclease subunit; plus strand), EFEMP2 (EGF-like fibulin extracellular matrix protein 2; minus strand). Cytogenetic location: 11q13.1.
Variant type: single nucleotide variant.
Coding change: c.1225C>T on transcript NM_016938.5 (MANE Select); coding-DNA position 1225, C replaced by T.
Protein change: p.Arg409Trp; replaces arginine 409 with tryptophan.
Molecular consequence: missense variant. On other transcripts: non-coding transcript variant (1).
Genome position (GRCh38, 1-based): chr11:65,867,025, G>A on the plus strand (C>T on the coding strand, the complement: EFEMP2 is on the minus strand). VCF-style: chr11-65867025-G-A. GRCh37 (hg19) VCF-style: chr11-65634496-G-A.
Other names: short protein forms R409W.
Identifiers: ClinVar variation 1493792 (VCV001493792.8), dbSNP rs774325189, ClinGen allele CA6110362.
Genomic context (GRCh38, chr11:65,867,025, plus strand): 5'-TGGCCCGGTAGCTCATGAGGGAATTCATGGTGACCATCTCCAGGTCCAGCACGTACTCCC[G>A]GGGGCCCGTCACCGGCCGGGCGAGGACCAGCATGGCGCTGACGTTGTTGATTTGCTGCAG-3'
Protein context (NP_058634.4, residues 399-419): LVLARPVTGP[Arg409Trp]EYVLDLEMVT